The following is an entry in ClinVar:

ClinVar aggregate classification (germline): Conflicting classifications of pathogenicity. Review status: criteria provided, conflicting classifications (1 of 4 stars). 3 submissions from 3 submitters: Uncertain significance (2); Likely benign (1). Last evaluated 2024-12-06.

Conditions:
Inborn genetic diseases. Identifiers: MedGen C0950123, MeSH D030342.
Charcot-Marie-Tooth disease type 2. Also called: Charcot-Marie-Tooth type 2. Identifiers: Orphanet 64746, MedGen C0270914, MONDO:0018993.

Allele frequency attached by ClinVar (database versions not stated): TOPMed 0.00004; gnomAD 0.00002; ExAC 0.00001; gnomAD exomes 0.00004; ESP Exome Variant Server 0.00008.
gnomAD v4.1: 83 of 1,614,070 alleles (0.0051%); highest among the groups gnomAD compares: Non-Finnish European, 0.0053%; no homozygotes.

Submissions (3):

GeneDx
Classification: Uncertain significance. Last evaluated: 2024-12-06. Review status: criteria provided, single submitter. Criteria: GeneDx Variant Classification Process June 2021. Collection method: clinical testing. Allele origin: germline. Affected: yes.
Comment: In silico analysis supports that this missense variant has a deleterious effect on protein structure/function; Has not been previously published as pathogenic or benign to our knowledge

Labcorp Genetics (formerly Invitae), Labcorp
Classification: Uncertain significance for Charcot-Marie-Tooth disease type 2. Last evaluated: 2024-06-06. Review status: criteria provided, single submitter. Criteria: Invitae Variant Classification Sherloc (09022015). Collection method: clinical testing. Allele origin: germline.
Comment: This sequence change replaces proline, which is neutral and non-polar, with serine, which is neutral and polar, at codon 366 of the BSCL2 protein (p.Pro366Ser). This variant is present in population databases (rs377310581, gnomAD 0.03%). This variant has not been reported in the literature in individuals affected with BSCL2-related conditions. ClinVar contains an entry for this variant (Variation ID: 241723). Algorithms developed to predict the effect of missense changes on protein structure and function output the following: SIFT: "Not Available"; PolyPhen-2: "Benign"; Align-GVGD: "Not Available". The serine amino acid residue is found in multiple mammalian species, which suggests that this missense change does not adversely affect protein function. In summary, the available evidence is currently insufficient to determine the role of this variant in disease. Therefore, it has been classified as a Variant of Uncertain Significance.

Ambry Genetics
Classification: Likely benign for Inborn genetic diseases. Last evaluated: 2023-07-11. Review status: criteria provided, single submitter. Criteria: Ambry Variant Classification Scheme 2023. Collection method: clinical testing. Allele origin: germline.

NM_001122955.4(BSCL2):c.1288C>T (p.Pro430Ser)

Genes: BSCL2 (BSCL2 lipid droplet biogenesis associated, seipin; minus strand), HNRNPUL2-BSCL2 (HNRNPUL2-BSCL2 readthrough (NMD candidate); minus strand). Cytogenetic location: 11q12.3.
Variant type: single nucleotide variant.
Coding change: c.1288C>T on transcript NM_001122955.4 (MANE Select); coding-DNA position 1288, C replaced by T.
Protein change: p.Pro430Ser; replaces proline 430 with serine.
Molecular consequence: missense variant. On other transcripts: non-coding transcript variant (1), 3 prime UTR variant (1).
Genome position (GRCh38, 1-based): chr11:62,690,468, G>A on the plus strand (C>T on the coding strand, the complement: BSCL2 is on the minus strand). VCF-style: chr11-62690468-G-A. GRCh37 (hg19) VCF-style: chr11-62457940-G-A.
Other names: c.*90C>T (NM_001130702.2); c.1294C>T, p.Pro432Ser (NM_001386027.1); c.1288C>T, p.Pro430Ser (NM_001386028.1); c.1096C>T, p.Pro366Ser (NM_032667.6); short protein forms P366S, P430S, P432S.
Identifiers: ClinVar variation 241723 (VCV000241723.14), dbSNP rs377310581, ClinGen allele CA6053260.